The following is an entry in ClinVar:

ClinVar aggregate classification (germline): Benign (1 of 4 stars; one submission).

gnomAD v4.1: 7,830 of 1,599,744 alleles (0.49%); highest among the groups gnomAD compares: South Asian, 1.2%; 202 homozygotes.

Submission:

CeGaT Center for Human Genetics Tuebingen
Classification: Benign. Last evaluated: 2026-06-01. Review status: criteria provided, single submitter. Criteria: CeGaT Center For Human Genetics Tuebingen Variant Classification Criteria Version 2. Collection method: clinical testing. Allele origin: germline. Affected: yes. Observed: 3 variant alleles.
Comment: ELOA2: BP4, BS1, BS2

NM_016427.3(ELOA2):c.317A>G (p.Gln106Arg)

Genes: ELOA2 (elongin A2; minus strand), KATNAL2 (katanin catalytic subunit A1 like 2; plus strand). Cytogenetic location: 18q21.1.
Variant type: single nucleotide variant.
Coding change: c.317A>G on transcript NM_016427.3 (MANE Select); coding-DNA position 317, A replaced by G.
Protein change: p.Gln106Arg; replaces glutamine 106 with arginine.
Molecular consequence: missense variant. On other transcripts: intron variant (14).
Genome position (GRCh38, 1-based): chr18:47,034,948, T>C on the plus strand (A>G on the coding strand, the complement: ELOA2 is on the minus strand). VCF-style: chr18-47034948-T-C. GRCh37 (hg19) VCF-style: chr18-44561319-T-C.
Other names: c.-1-23287T>C (NM_001353904.1, NM_001353903.1, NM_001353907.1 and 3 more transcripts); c.130-11509T>C (NM_001353899.1, NM_001353900.1, NM_001353902.1); c.52-11509T>C (NM_001353901.1, NM_001387690.1, NM_001367621.1); c.-294-11509T>C (NM_001353905.1); c.-94-17932T>C (NM_031303.3); short protein forms Q106R.
Identifiers: ClinVar variation 3388373 (VCV003388373.14).